The following is an entry in ClinVar:

NM_001267550.2(TTN):c.59205del (p.Glu19735fs)

Genes: TTN (titin; minus strand), TTN-AS1 (TTN antisense RNA 1; plus strand). Cytogenetic location: 2q31.2.
Variant type: Deletion.
Coding change: c.59205del on transcript NM_001267550.2 (MANE Select); coding-DNA position 59205, one base deleted (G; older notation c.59205delG).
Protein change: p.Glu19735fs; shifts the reading frame from glutamic acid 19735.
Molecular consequence: frameshift variant.
Genome position (GRCh38, 1-based): chr2:178,592,914, C deleted on the plus strand (G on the coding strand, the reverse complement: TTN is on the minus strand). VCF-style (leftmost placement, unchanged base first): chr2-178592913-AC-A. GRCh37 (hg19) VCF-style: chr2-179457640-AC-A.
Other names: c.59205delG (NM_001267550.2); c.54282delG (NM_001256850.1); c.51501delG (NM_133378.4); c.54282del, p.Glu18094fs (NM_001256850.1); c.32010del, p.Glu10670fs (NM_003319.4); c.51501del, p.Glu17167fs (NM_133378.4); c.32385del, p.Glu10795fs (NM_133432.3); c.32586del, p.Glu10862fs (NM_133437.4); and 2 more; short protein forms E19735fs, E10795fs, E18094fs, E10670fs, E10862fs, E17167fs.
Identifiers: ClinVar variation 47147 (VCV000047147.29), dbSNP rs397517643, ClinGen allele CA261890.

ClinVar aggregate classification (germline): Pathogenic/Likely pathogenic. Review status: criteria provided, multiple submitters, no conflicts (2 of 4 stars). 6 submissions from 6 submitters: Pathogenic (1); Likely pathogenic (4). 1 of the submissions does not count toward it. Last evaluated 2026-04-16.

Conditions:
TTN-related disorder. Also called: TTN-related disorders; TTN-related condition; TTN-related disease.
Cardiovascular phenotype. Identifiers: MedGen CN230736.
Dilated cardiomyopathy 1G (CMD1G). Identifiers: Orphanet 154, MedGen C1858763, MONDO:0011400, OMIM 604145.
Autosomal recessive limb-girdle muscular dystrophy type 2J (LGMDR10). Also called: Limb-girdle muscular dystrophy, type 2J; MUSCULAR DYSTROPHY, LIMB-GIRDLE, AUTOSOMAL RECESSIVE 10. Identifiers: Orphanet 140922, MedGen C1837342, MONDO:0012127, OMIM 608807.
Primary dilated cardiomyopathy (DCM). Also called: Dilated Cardiomyopathy. Identifiers: Orphanet 217604, MedGen C0007193, MeSH D002311, MONDO:0005021, HP:0001644. Inheritance: Various modes of inheritance.

Allele frequency attached by ClinVar (database versions not stated): gnomAD exomes below 0.00001.

Submissions (6):

Ambry Genetics
Classification: Likely pathogenic for Cardiovascular phenotype. Last evaluated: 2026-04-16. Review status: criteria provided, single submitter. Criteria: Ambry Variant Classification Scheme 2023. Collection method: clinical testing. Allele origin: germline.
Comment: The c.32010delG variant, located in coding exon 127 of the TTN gene, results from a deletion of one nucleotide at nucleotide position 32010, causing a translational frameshift with a predicted alternate stop codon (p.E10670Dfs*24). This exon is located in the A-band region of the N2-B isoform of the titin protein and is constitutively expressed in TTN transcripts (percent spliced in or PSI 100%). This variant is expected to result in loss of function by premature protein truncation or nonsense-mediated mRNA decay. While truncating variants in TTN are present in 1-3% of the general population, truncating variants in the A-band are the most common cause of dilated cardiomyopathy (Herman DS et al. N. Engl. J. Med., 2012 Feb;366:619-28; Roberts AM et al. Sci Transl Med, 2015 Jan;7:270ra6). TTN truncating variants encoded in constitutive exons (PSI >90%) have been found to be significantly associated with DCM regardless of their position in titin (Schafer S et al. Nat. Genet., 2017 01;49:46-53; Akhtar MM et al. Circ Heart Fail, 2020 Oct;13:e006832; Massier M et al. Clin Genet, 2025 Jan). This variant is considered to be rare based on population cohorts in the Genome Aggregation Database (gnomAD). Based on the majority of available evidence to date, this variant is likely to be pathogenic.

GeneDx
Classification: Pathogenic. Last evaluated: 2025-05-04. Review status: criteria provided, single submitter. Criteria: GeneDx Variant Classification Process June 2021. Collection method: clinical testing. Allele origin: germline. Affected: yes.
Comment: Located in the A-band, a region of TTN for which truncating variants are significantly associated with autosomal dominant cardiomyopathy and also with autosomal recessive skeletal myopathies (PMID: 22335739, 32778822); Reported in an individual with left ventricular noncompaction (PMID: 33500567); Frameshift variant predicted to result in protein truncation or nonsense mediated decay in a gene for which loss of function is a known mechanism of disease; Not observed at significant frequency in large population cohorts (gnomAD); This variant is associated with the following publications: (PMID: 33500567, 22335739, 32778822)

Labcorp Genetics (formerly Invitae), Labcorp
Classification: Likely pathogenic for Dilated cardiomyopathy 1G; Autosomal recessive limb-girdle muscular dystrophy type 2J. Last evaluated: 2024-08-20. Review status: criteria provided, single submitter. Criteria: Invitae Variant Classification Sherloc (09022015). Collection method: clinical testing. Allele origin: germline.
Comment: This sequence change creates a premature translational stop signal (p.Glu19735Aspfs*24) in the TTN gene. While this is not anticipated to result in nonsense mediated decay, it is expected to create a truncated TTN protein. This variant is not present in population databases (gnomAD no frequency). This premature translational stop signal has been observed in individual(s) with left ventricular noncompaction (PMID: 33500567). This variant is also known as c.51501delG (p.Glu17167fs). ClinVar contains an entry for this variant (Variation ID: 47147). This variant is located in the A band of TTN (PMID: 25589632). Truncating variants in this region are significantly overrepresented in patients affected with dilated cardiomyopathy (PMID: 25589632). Truncating variants in this region have also been reported in individuals affected with autosomal recessive centronuclear myopathy (PMID: 23975875). In summary, the currently available evidence indicates that the variant is pathogenic, but additional data are needed to prove that conclusively. Therefore, this variant has been classified as Likely Pathogenic.

Broad Center for Mendelian Genomics, Broad Institute of MIT and Harvard
Classification: Likely pathogenic for Autosomal recessive limb-girdle muscular dystrophy type 2J. Last evaluated: 2018-12-03. Review status: criteria provided, single submitter. Criteria: ACMG Guidelines, 2015. Collection method: research. Allele origin: germline. Inheritance: Autosomal recessive inheritance. Affected: yes.
Comment: This variant was absent from large population studies. This nonsense variant leads to a premature termination codon at position 19735, which is predicted to lead to a truncated or absent protein. Loss of function of the TTN gene is an established disease mechanism in autosomal recessive LGMD. In summary, although additional studies are required to fully establish its clinical significance, the p.Glu19735AspfsTer24 variant is likely pathogenic. ACMG/AMP Criteria applied: PM2, PVS1 (Richards 2015).

Laboratory for Molecular Medicine, Mass General Brigham Personalized Medicine
Classification: Likely pathogenic for Primary dilated cardiomyopathy. Last evaluated: 2012-05-24. Review status: criteria provided, single submitter. Criteria: LMM Criteria. Collection method: clinical testing. Allele origin: germline. Observed: 1 variant allele.
Comment: The Glu17167fs variant in TTN has not been reported in the literature nor previo usly identified by our laboratory. This frameshift variant is predicted to alter the protein?s amino acid sequence beginning at position 17167 and lead to a pre mature termination codon 24 amino acids downstream. This alteration is then pred icted to lead to a truncated or absent protein. Heterozygous loss of function of the TTN gene is strongly associated with DCM (Herman 2012). In summary, this va riant is likely to be pathogenic, though additional daa is needed to establish t his with certainty.

PreventionGenetics, part of Exact Sciences
Classification: Likely pathogenic for TTN-related condition. Last evaluated: 2024-09-04. Review status: no assertion criteria provided. Collection method: clinical testing. Allele origin: germline. Not counted in ClinVar's aggregate classification.
Comment: The TTN c.59205delG variant is predicted to result in a frameshift and premature protein termination (p.Glu19735Aspfs*24). This variant has been reported in an individual with left ventricular noncompaction (Supplemental Table 2, Mazzarotto et al. 2021. PubMed ID: 33500567). This variant has also been reported in an individual from a population cohort included in a study designed to retrospectively study TTN gene-disease associations to atrial fibrillation and cardiomyopathy (Table S1, Schiabor Barrett et al. 2023. PubMed ID: 36637017). Additionally, this variant is located in the A-band of the TTN gene, where the majority of truncating variants have been associated with dilated cardiomyopathy (Roberts et al. 2015. PubMed ID:25589632). This variant has not been reported in a large population database, indicating this variant is rare. This variant is interpreted as likely pathogenic.

Literature cited by the submitters: PubMed 33500567 (cited by Labcorp Genetics (formerly Invitae), Labcorp); PubMed 25589632 (cited by Labcorp Genetics (formerly Invitae), Labcorp); PubMed 23975875 (cited by Labcorp Genetics (formerly Invitae), Labcorp).